The following is an entry in ClinVar:

NM_000391.4(TPP1):c.206C>G (p.Ser69Trp)

Gene: TPP1 (tripeptidyl peptidase 1; minus strand). Cytogenetic location: 11p15.4.
Variant type: single nucleotide variant.
Coding change: c.206C>G on transcript NM_000391.4 (MANE Select); coding-DNA position 206, C replaced by G.
Protein change: p.Ser69Trp; replaces serine 69 with tryptophan.
Molecular consequence: missense variant.
Genome position (GRCh38, 1-based): chr11:6,618,799, G>C on the plus strand (C>G on the coding strand, the complement: TPP1 is on the minus strand). VCF-style: chr11-6618799-G-C. GRCh37 (hg19) VCF-style: chr11-6640030-G-C.
Other names: short protein forms S69W.
Identifiers: ClinVar variation 424229 (VCV000424229.2), dbSNP rs769028551, ClinGen allele CA16619377.
Genomic context (GRCh38, chr11:6,618,799, plus strand): 5'-CCGCATCCCACATCCTGTCCTCAGTCCCAAAAGGCACCGTATTGAGGAGAGCTGGGATCC[G>C]ACACAGCCTGCACCAGCTCCGAGAGTCTTTCCACATTCTGCTGTCTCAGGGCAAAGGTGA-3'
Protein context (NP_000382.3, residues 59-79): ERLSELVQAV[Ser69Trp]DPSSPQYGKY

ClinVar aggregate classification (germline): Uncertain significance (1 of 4 stars; one submission).

gnomAD v4.1: 10 of 1,613,914 alleles (0.00062%); highest among the groups gnomAD compares: Non-Finnish European, 0.00085%; no homozygotes.

Submission:

GeneDx
Classification: Uncertain significance. Last evaluated: 2017-03-10. Review status: criteria provided, single submitter. Criteria: GeneDx Variant Classification (06012015). Collection method: clinical testing. Allele origin: germline. Affected: yes.
Comment: A variant of uncertain significance has been identified in the TPP1 gene. The S69W variant has not been published as a pathogenic variant, nor has it been reported as a benign variant to our knowledge. The S69W variant is not observed in large population cohorts (Lek et al., 2016; 1000 Genomes Consortium et al., 2015; Exome Variant Server). The S69W variant is a non-conservative amino acid substitution, which is likely to impact secondary protein structure as these residues differ in polarity, charge, size and/or other properties. This substitution occurs at a position that is conserved across species and in silico analysis predicts this variant is probably damaging to the protein structure/function. Based on the currently available information, it is unclear whether this variant is a pathogenic variant or a rare benign variant.